The following is an entry in ClinVar:

ClinVar aggregate classification (germline): Benign/Likely benign. Review status: criteria provided, multiple submitters, no conflicts (2 of 4 stars). 4 submissions from 4 submitters: Benign (3); Likely benign (1). Last evaluated 2026-02-01.

Conditions:
FG syndrome (FGS). Identifiers: MedGen C0220769, MONDO:0002010.

Allele frequency attached by ClinVar (database versions not stated): ESP Exome Variant Server 0.00061; 1000 Genomes Project 0.00079; 1000 Genomes Project 30x 0.00083; gnomAD 0.00105; ExAC 0.00109; gnomAD exomes 0.00111 and 0.00142; TOPMed 0.00150.
gnomAD v4.1: 1,671 of 1,197,697 alleles (0.14%); highest among the groups gnomAD compares: Admixed American, 0.25%; no homozygotes.

Submissions (5):

Labcorp Genetics (formerly Invitae), Labcorp
Classification: Benign for FG syndrome. Last evaluated: 2026-02-01. Review status: criteria provided, single submitter. Criteria: Invitae Variant Classification Sherloc (09022015). Collection method: clinical testing. Allele origin: germline.

Blueprint Genetics
Classification: Likely benign. Last evaluated: 2024-09-25. Review status: criteria provided, single submitter. Criteria: ACMG Guidelines, 2015. Collection method: clinical testing. Allele origin: germline.

GeneDx
Classification: Benign. Last evaluated: 2015-03-01. Review status: criteria provided, single submitter. Criteria: GeneDx Variant Classification (06012015). Collection method: clinical testing. Allele origin: germline. Affected: yes.
Comment: This variant is considered likely benign or benign based on one or more of the following criteria: it is a conservative change, it occurs at a poorly conserved position in the protein, it is predicted to be benign by multiple in silico algorithms, and/or has population frequency not consistent with disease.

Breakthrough Genomics
Classification: Benign. Review status: criteria provided, single submitter. Criteria: ACMG Guidelines, 2015. Collection method: not provided. Allele origin: germline. Inheritance: X-linked inheritance. Affected: yes.

Dr. Peter K. Rogan Lab, Western University
No classification provided (evidence only). Condition: Cervical cancer. Review status: no classification provided. Collection method: in vitro. Allele origin: not applicable. Functional consequence: retained intron. Not counted in ClinVar's aggregate classification.

NM_005120.3(MED12):c.2981+13G>A

Gene: MED12 (mediator complex subunit 12; plus strand). Cytogenetic location: Xq13.1.
Variant type: single nucleotide variant.
Coding change: c.2981+13G>A on transcript NM_005120.3 (MANE Select); 13 bases into the intron after coding-DNA position 2981, G replaced by A.
Molecular consequence: intron variant.
Genome position (GRCh38, 1-based): chrX:71,127,480, G>A. VCF-style: chrX-71127480-G-A. GRCh37 (hg19) VCF-style: chrX-70347330-G-A.
Identifiers: ClinVar variation 213622 (VCV000213622.12), dbSNP rs73214870, ClinGen allele CA321778.
Genomic context (GRCh38, chrX:71,127,480, plus strand): 5'-GTACACCTCCTGTAGCCATTTAAAGAACAAATTTGGGGAGCTCTTCAGGTAAGAGAGGTG[G>A]AAGGTAAGGGGTAGCGAGTGGGACCTACTCCCTTCTTCCCATGACCACCCAACTCAGGAG-3'